The following is an entry in ClinVar:

ClinVar aggregate classification (germline): Uncertain significance (1 of 4 stars; one submission).

Conditions:
Chuvash polycythemia. Also called: POLYCYTHEMIA, VHL-DEPENDENT. Identifiers: Orphanet 238557, MedGen C1837915, MONDO:0009892, OMIM 263400.
Von Hippel-Lindau syndrome (VHLS). Also called: Von Hippel-Lindau; von Hippel–Lindau syndrome; VHL syndrome. Identifiers: Orphanet 892, MedGen C0019562, MONDO:0008667, OMIM 193300. Disease mechanism: loss of function.

gnomAD v4.1: 1 of 1,586,488 alleles (0.000063%); no homozygotes.

Submission:

Labcorp Genetics (formerly Invitae), Labcorp
Classification: Uncertain significance for Von Hippel-Lindau syndrome; Chuvash polycythemia. Last evaluated: 2021-08-23. Review status: criteria provided, single submitter. Criteria: Invitae Variant Classification Sherloc (09022015). Collection method: clinical testing. Allele origin: germline.
Comment: This sequence change replaces glutamic acid with aspartic acid at codon 53 of the VHL protein (p.Glu53Asp). The glutamic acid residue is weakly conserved and there is a small physicochemical difference between glutamic acid and aspartic acid. This variant is not present in population databases (ExAC no frequency). This variant has not been reported in the literature in individuals affected with VHL-related conditions. Advanced modeling of protein sequence and biophysical properties (such as structural, functional, and spatial information, amino acid conservation, physicochemical variation, residue mobility, and thermodynamic stability) performed at Invitae indicates that this missense variant is not expected to disrupt VHL protein function. In summary, the available evidence is currently insufficient to determine the role of this variant in disease. Therefore, it has been classified as a Variant of Uncertain Significance.

NM_000551.4(VHL):c.159G>C (p.Glu53Asp)

Gene: VHL (von Hippel-Lindau tumor suppressor; plus strand). Cytogenetic location: 3p25.3.
Variant type: single nucleotide variant.
Coding change: c.159G>C on transcript NM_000551.4 (MANE Select); coding-DNA position 159, G replaced by C.
Protein change: p.Glu53Asp; replaces glutamic acid 53 with aspartic acid.
Molecular consequence: missense variant.
Genome position (GRCh38, 1-based): chr3:10,142,006, G>C. VCF-style: chr3-10142006-G-C. GRCh37 (hg19) VCF-style: chr3-10183690-G-C.
Other names: c.159G>C, p.Glu53Asp (NM_001354723.2, NM_198156.3); short protein forms E53D.
Identifiers: ClinVar variation 1377127 (VCV001377127.6), dbSNP rs1553619385, ClinGen allele CA351748444.